The following is an entry in ClinVar:

ClinVar aggregate classification (germline): Conflicting classifications of pathogenicity. Review status: criteria provided, conflicting classifications (1 of 4 stars). 4 submissions from 4 submitters: Uncertain significance (2); Benign (1); Likely benign (1). Last evaluated 2026-03-20.

Conditions:
SOS1-related disorder. Also called: SOS1-related condition.
Cardiovascular phenotype. Identifiers: MedGen CN230736.
RASopathy. Also called: rasopathies; Noonan spectrum disorder. Identifiers: Orphanet 536391, MedGen C5555857, MONDO:0021060.

Allele frequency attached by ClinVar (database versions not stated): gnomAD exomes below 0.00001; ExAC 0.00001; TOPMed 0.00001; gnomAD 0.00002 and 0.00003; 1000 Genomes Project 30x 0.00016; 1000 Genomes Project 0.00020.
gnomAD v4.1: 8 of 1,613,920 alleles (0.0005%); highest among the groups gnomAD compares: African/African-American, 0.0027%; no homozygotes.

Submissions (4):

PreventionGenetics, part of Exact Sciences
Classification: Uncertain significance for SOS1-related condition. Last evaluated: 2026-03-20. Review status: criteria provided, single submitter. Criteria: ACMG Guidelines, 2015. Collection method: clinical testing. Allele origin: germline.
Comment: The SOS1 c.3838C>A variant is predicted to result in the amino acid substitution p.Gln1280Lys. To our knowledge, this variant has not been reported in the literature. This variant is reported in 0.0080% of alleles in individuals of African descent in gnomAD. At this time, the clinical significance of this variant is uncertain due to the absence of conclusive functional and genetic evidence.

Labcorp Genetics (formerly Invitae), Labcorp
Classification: Benign for RASopathy. Last evaluated: 2024-05-20. Review status: criteria provided, single submitter. Criteria: Invitae Variant Classification Sherloc (09022015). Collection method: clinical testing. Allele origin: germline.

Ambry Genetics
Classification: Uncertain significance for Cardiovascular phenotype. Last evaluated: 2023-02-12. Review status: criteria provided, single submitter. Criteria: Ambry Variant Classification Scheme 2023. Collection method: clinical testing. Allele origin: germline.
Comment: The p.Q1280K variant (also known as c.3838C>A), located in coding exon 23 of the SOS1 gene, results from a C to A substitution at nucleotide position 3838. The glutamine at codon 1280 is replaced by lysine, an amino acid with similar properties. This amino acid position is conserved. In addition, this alteration is predicted to be tolerated by in silico analysis. Since supporting evidence is limited at this time, the clinical significance of this alteration remains unclear.

GeneDx
Classification: Likely benign. Last evaluated: 2023-01-10. Review status: criteria provided, single submitter. Criteria: GeneDx Variant Classification Process June 2021. Collection method: clinical testing. Allele origin: germline. Affected: yes.
Comment: In silico analysis supports that this missense variant does not alter protein structure/function; Missense variants in this gene are often considered pathogenic (HGMD); Has not been previously published as pathogenic or benign to our knowledge; This variant is associated with the following publications: (PMID: 29493581)

NM_005633.4(SOS1):c.3838C>A (p.Gln1280Lys)

Gene: SOS1 (SOS Ras/Rac guanine nucleotide exchange factor 1; minus strand). Cytogenetic location: 2p22.1.
Variant type: single nucleotide variant.
Coding change: c.3838C>A on transcript NM_005633.4 (MANE Select); coding-DNA position 3838, C replaced by A.
Protein change: p.Gln1280Lys; replaces glutamine 1280 with lysine.
Molecular consequence: missense variant.
Genome position (GRCh38, 1-based): chr2:38,985,988, G>T on the plus strand (C>A on the coding strand, the complement: SOS1 is on the minus strand). VCF-style: chr2-38985988-G-T. GRCh37 (hg19) VCF-style: chr2-39213129-G-T.
Other names: c.3817C>A, p.Gln1273Lys (NM_001382394.1); c.3793C>A, p.Gln1265Lys (NM_001382395.1); short protein forms Q1265K, Q1273K, Q1280K.
Identifiers: ClinVar variation 1193732 (VCV001193732.11), dbSNP rs548519280, ClinGen allele CA1624105.